The following is an entry in ClinVar:

NM_003494.4(DYSF):c.88+12589T>C

Gene: DYSF (dysferlin; plus strand). Cytogenetic location: 2p13.2.
Variant type: single nucleotide variant.
Coding change: c.88+12589T>C on transcript NM_003494.4 (MANE Plus Clinical); 12589 bases into the intron after coding-DNA position 88, T replaced by C.
Molecular consequence: intron variant.
Genome position (GRCh38, 1-based): chr2:71,466,675, T>C. VCF-style: chr2-71466675-T-C. GRCh37 (hg19) VCF-style: chr2-71693805-T-C.
Other names: c.88+12589T>C (NM_001130979.2, NM_001130981.2, NM_001130980.2 and 3 more transcripts).
Identifiers: ClinVar variation 681327 (VCV000681327.5), dbSNP rs58981291, ClinGen allele CA15179711.

ClinVar aggregate classification (germline): Benign. Review status: reviewed by expert panel (3 of 4 stars). 3 submissions from 3 submitters: Benign (1). 2 of the submissions do not count toward it. Last evaluated 2025-01-08.

Conditions:
Autosomal recessive limb-girdle muscular dystrophy. Identifiers: Orphanet 102015, MedGen C2931907, MONDO:0015152.

Allele frequency attached by ClinVar (database versions not stated): gnomAD 0.17695 and 0.17909; TOPMed 0.18350; 1000 Genomes Project 30x 0.19894; 1000 Genomes Project 0.20647.
gnomAD v4.1: 249,199 of 1,355,108 alleles (18%); highest among the groups gnomAD compares: East Asian, 44%; 24,618 homozygotes.

Submissions (3):

ClinGen Limb Girdle Muscular Dystrophy Variant Curation Expert Panel, ClinGen
Classification: Benign for Autosomal recessive limb-girdle muscular dystrophy. Last evaluated: 2025-01-08. Review status: reviewed by expert panel. Criteria: ClinGen LGMD VCEP ACMG Specifications DYSF V1.0.0. Collection method: curation. Allele origin: germline. Inheritance: Autosomal recessive inheritance.
Comment: The NM_003494.4: c.88+12589T>C variant in DYSF is an intronic variant that is not located in a splice region. The filtering allele frequency of the variant is 0.4326 for South Asian genome chromosomes in gnomAD v3.1.2 (the lower threshold of the 95% CI of 2314/5168), which is higher than the VCEP threshold of 0.003 (BA1). The computational splicing predictor SpliceAI gives a score of 0, suggesting that the variant has no impact on splicing (BP4, BP7). In summary, this variant meets the criteria to be classified as Benign for autosomal recessive limb girdle muscular dystrophy based on the ACMG/AMP criteria applied, as specified by the ClinGen LGMD VCEP (LGMD VCEP specifications version 1.0.0; 01/08/2025): BA1, BP4, BP7.

GeneDx
Classification: Benign. Last evaluated: 2018-06-14. Review status: criteria provided, single submitter. Criteria: GeneDx Variant Classification (06012015). Collection method: clinical testing. Allele origin: germline. Affected: yes. Not counted in ClinVar's aggregate classification.
Comment: This variant is considered likely benign or benign based on one or more of the following criteria: it is a conservative change, it occurs at a poorly conserved position in the protein, it is predicted to be benign by multiple in silico algorithms, and/or has population frequency not consistent with disease.

Breakthrough Genomics
Classification: Benign. Review status: criteria provided, single submitter. Criteria: ACMG Guidelines, 2015. Collection method: not provided. Allele origin: germline. Inheritance: Autosomal recessive inheritance. Affected: yes. Not counted in ClinVar's aggregate classification.